The following is an entry in ClinVar:

NM_002373.6(MAP1A):c.5573C>G (p.Ser1858Cys)

Gene: MAP1A (microtubule associated protein 1A; plus strand). Cytogenetic location: 15q15.3.
Variant type: single nucleotide variant.
Coding change: c.5573C>G on transcript NM_002373.6 (MANE Select); coding-DNA position 5573, C replaced by G.
Protein change: p.Ser1858Cys; replaces serine 1858 with cysteine.
Molecular consequence: missense variant.
Genome position (GRCh38, 1-based): chr15:43,527,046, C>G. VCF-style: chr15-43527046-C-G. GRCh37 (hg19) VCF-style: chr15-43819244-C-G.
Other names: short protein forms S1858C.
Identifiers: ClinVar variation 778492 (VCV000778492.17), dbSNP rs202116613, ClinGen allele CA7526726.

ClinVar aggregate classification (germline): Likely benign. Review status: criteria provided, multiple submitters, no conflicts (2 of 4 stars). 3 submissions from 3 submitters: Likely benign (3). Last evaluated 2025-02-01.

Allele frequency attached by ClinVar (database versions not stated): 1000 Genomes Project 0.00120; 1000 Genomes Project 30x 0.00141; gnomAD exomes 0.00306; ExAC 0.00319; gnomAD 0.00332 and 0.00341; ESP Exome Variant Server 0.00358; TOPMed 0.00362.

Submissions (3):

CeGaT Center for Human Genetics Tuebingen
Classification: Likely benign. Last evaluated: 2025-02-01. Review status: criteria provided, single submitter. Criteria: CeGaT Center For Human Genetics Tuebingen Variant Classification Criteria Version 2. Collection method: clinical testing. Allele origin: germline. Affected: yes. Observed: 1 variant allele.
Comment: MAP1A: BS2

Labcorp Genetics (formerly Invitae), Labcorp
Classification: Likely benign. Last evaluated: 2018-11-30. Review status: criteria provided, single submitter. Criteria: Invitae Variant Classification Sherloc (09022015). Collection method: clinical testing. Allele origin: germline.

Breakthrough Genomics
Classification: Likely benign. Review status: criteria provided, single submitter. Criteria: ACMG Guidelines, 2015. Collection method: not provided. Allele origin: germline. Inheritance: Unknown mechanism. Affected: yes.